The following is an entry in ClinVar:

ClinVar aggregate classification (germline): Uncertain significance (1 of 4 stars; one submission).

Submission:

GeneDx
Classification: Uncertain significance. Last evaluated: 2024-09-19. Review status: criteria provided, single submitter. Criteria: GeneDx Variant Classification Process June 2021. Collection method: clinical testing. Allele origin: germline. Affected: yes.
Comment: Not observed at significant frequency in large population cohorts (gnomAD); In silico analysis supports that this missense variant has a deleterious effect on protein structure/function; Has not been previously published as pathogenic or benign to our knowledge

NM_001429.4(EP300):c.5210G>T (p.Arg1737Leu)

Gene: EP300 (E1A binding protein p300; plus strand). Cytogenetic location: 22q13.2.
Variant type: single nucleotide variant.
Coding change: c.5210G>T on transcript NM_001429.4 (MANE Select); coding-DNA position 5210, G replaced by T.
Protein change: p.Arg1737Leu; replaces arginine 1737 with leucine.
Molecular consequence: missense variant.
Genome position (GRCh38, 1-based): chr22:41,176,921, G>T. VCF-style: chr22-41176921-G-T. GRCh37 (hg19) VCF-style: chr22-41572925-G-T.
Other names: c.5132G>T, p.Arg1711Leu (NM_001362843.2); short protein forms R1711L, R1737L.
Identifiers: ClinVar variation 3776439 (VCV003776439.1).